The following is an entry in ClinVar:

ClinVar aggregate classification (germline): Uncertain significance (1 of 4 stars; one submission).

Submission:

GeneDx
Classification: Uncertain significance. Last evaluated: 2018-05-09. Review status: criteria provided, single submitter. Criteria: GeneDx Variant Classification (06012015). Collection method: clinical testing. Allele origin: germline. Affected: yes.
Comment: The K173X variant has not been published as a pathogenic variant, nor has it been reported as a benign variant to our knowledge. This variant is predicted to cause loss of normal protein function either through protein truncation or nonsense-mediated mRNA decay. The K173X variant is not observed in large population cohorts (Lek et al., 2016). Based on the currently available information, it is unclear whether this variant is a pathogenic variant or a rare benign variant.

NM_033637.4(BTRC):c.517A>T (p.Lys173Ter)

Gene: BTRC (beta-transducin repeat containing E3 ubiquitin protein ligase; plus strand). Cytogenetic location: 10q24.32.
Variant type: single nucleotide variant.
Coding change: c.517A>T on transcript NM_033637.4 (MANE Select); coding-DNA position 517, A replaced by T.
Protein change: p.Lys173Ter; replaces lysine 173 with a stop codon.
Molecular consequence: nonsense.
Genome position (GRCh38, 1-based): chr10:101,521,831, A>T. VCF-style: chr10-101521831-A-T. GRCh37 (hg19) VCF-style: chr10-103281588-A-T.
Other names: c.439A>T, p.Lys147Ter (NM_001256856.2); c.409A>T, p.Lys137Ter (NM_003939.5); short protein forms K173*, K147*, K137*.
Identifiers: ClinVar variation 523913 (VCV000523913.2), dbSNP rs1554893022, ClinGen allele CA378263730.